The following is an entry in ClinVar:

ClinVar aggregate classification (germline): Pathogenic (1 of 4 stars; one submission).

Submission:

GeneDx
Classification: Pathogenic. Last evaluated: 2015-09-08. Review status: criteria provided, single submitter. Criteria: GeneDx Variant Classification (06012015). Collection method: clinical testing. Allele origin: germline. Affected: yes.
Comment: The E199X nonsense variant in the PCDH19 gene is predicted to cause loss of normal protein function either through protein truncation or nonsense-mediated mRNA decay. It was not observed in approximately 6,400 individuals of European and African American ancestry in the NHLBI Exome Sequencing Project, indicating it is not a common benign variant in these populations. Although the E199X variant has not been reported previously to our knowledge, many other nonsense variants have been reported in association with PCDH19-related disorders (Stenson et al., 2014). Therefore, the E199X variant is interpreted as pathogenic.

NM_001184880.2(PCDH19):c.595G>T (p.Glu199Ter)

Gene: PCDH19 (protocadherin 19; minus strand). Cytogenetic location: Xq22.1.
Variant type: single nucleotide variant.
Coding change: c.595G>T on transcript NM_001184880.2 (MANE Select); coding-DNA position 595, G replaced by T.
Protein change: p.Glu199Ter; replaces glutamic acid 199 with a stop codon.
Molecular consequence: nonsense.
Genome position (GRCh38, 1-based): chrX:100,408,003, C>A on the plus strand (G>T on the coding strand, the complement: PCDH19 is on the minus strand). VCF-style: chrX-100408003-C-A. GRCh37 (hg19) VCF-style: chrX-99663001-C-A.
Other names: c.595G>T, p.Glu199Ter (NM_001105243.2, NM_020766.3); short protein forms E199*.
Identifiers: ClinVar variation 429806 (VCV000429806.2), dbSNP rs1131691603, ClinGen allele CA414009134.